The following is an entry in ClinVar:

NM_003737.4(DCHS1):c.5521T>G (p.Leu1841Val)

Gene: DCHS1 (dachsous cadherin-related 1; minus strand). Cytogenetic location: 11p15.4.
Variant type: single nucleotide variant.
Coding change: c.5521T>G on transcript NM_003737.4 (MANE Select); coding-DNA position 5521, T replaced by G.
Protein change: p.Leu1841Val; replaces leucine 1841 with valine.
Molecular consequence: missense variant.
Genome position (GRCh38, 1-based): chr11:6,627,518, A>C on the plus strand (T>G on the coding strand, the complement: DCHS1 is on the minus strand). VCF-style: chr11-6627518-A-C. GRCh37 (hg19) VCF-style: chr11-6648749-A-C.
Other names: short protein forms L1841V.
Identifiers: ClinVar variation 2907670 (VCV002907670.3), dbSNP rs757359025, ClinGen allele CA5860072.

ClinVar aggregate classification (germline): Uncertain significance (1 of 4 stars; one submission).

Allele frequency attached by ClinVar (database versions not stated): gnomAD 0.00001; TOPMed 0.00001; ExAC 0.00002; gnomAD exomes 0.00003.
gnomAD v4.1: 40 of 1,612,360 alleles (0.0025%); highest among the groups gnomAD compares: Non-Finnish European, 0.0034%; no homozygotes.

Submission:

Labcorp Genetics (formerly Invitae), Labcorp
Classification: Uncertain significance. Last evaluated: 2025-12-09. Review status: criteria provided, single submitter. Criteria: Invitae Variant Classification Sherloc (09022015). Collection method: clinical testing. Allele origin: germline.
Comment: This sequence change replaces leucine, which is neutral and non-polar, with valine, which is neutral and non-polar, at codon 1841 of the DCHS1 protein (p.Leu1841Val). This variant is present in population databases (rs757359025, gnomAD 0.002%). This variant has not been reported in the literature in individuals affected with DCHS1-related conditions. ClinVar contains an entry for this variant (Variation ID: 2907670). Invitae Evidence Modeling of protein sequence and biophysical properties (such as structural, functional, and spatial information, amino acid conservation, physicochemical variation, residue mobility, and thermodynamic stability) indicates that this missense variant is not expected to disrupt DCHS1 protein function with a negative predictive value of 80%. In summary, the available evidence is currently insufficient to determine the role of this variant in disease. Therefore, it has been classified as a Variant of Uncertain Significance.